The following is an entry in ClinVar:

ClinVar aggregate classification (germline): Uncertain significance. Review status: criteria provided, multiple submitters, no conflicts (2 of 4 stars). 2 submissions from 2 submitters: Uncertain significance (2). Last evaluated 2025-10-08.

Conditions:
Cranium bifidum occultum. Also called: CATLIN MARKS; CRANIUM BIFIDUM, HEREDITARY; Enlarged Parietal Foramina. Identifiers: MedGen C1868598, HP:0004423.
Inborn genetic diseases. Identifiers: MedGen C0950123, MeSH D030342.

Submissions (2):

Labcorp Genetics (formerly Invitae), Labcorp
Classification: Uncertain significance for Cranium bifidum occultum. Last evaluated: 2025-10-08. Review status: criteria provided, single submitter. Criteria: Invitae Variant Classification Sherloc (09022015). Collection method: clinical testing. Allele origin: germline.
Comment: This sequence change replaces arginine, which is basic and polar, with tryptophan, which is neutral and slightly polar, at codon 87 of the MSX2 protein (p.Arg87Trp). This variant is present in population databases (rs750488190, gnomAD 0.008%). This variant has not been reported in the literature in individuals affected with MSX2-related conditions. ClinVar contains an entry for this variant (Variation ID: 3913943). Invitae Evidence Modeling of protein sequence and biophysical properties (such as structural, functional, and spatial information, amino acid conservation, physicochemical variation, residue mobility, and thermodynamic stability) indicates that this missense variant is not expected to disrupt MSX2 protein function with a negative predictive value of 80%. In summary, the available evidence is currently insufficient to determine the role of this variant in disease. Therefore, it has been classified as a Variant of Uncertain Significance.

Ambry Genetics
Classification: Uncertain significance for Inborn genetic diseases. Last evaluated: 2025-06-06. Review status: criteria provided, single submitter. Criteria: Ambry Variant Classification Scheme 2023. Collection method: clinical testing. Allele origin: germline.

NM_002449.5(MSX2):c.259C>T (p.Arg87Trp)

Gene: MSX2 (msh homeobox 2; plus strand). Cytogenetic location: 5q35.2.
Variant type: single nucleotide variant.
Coding change: c.259C>T on transcript NM_002449.5 (MANE Select); coding-DNA position 259, C replaced by T.
Protein change: p.Arg87Trp; replaces arginine 87 with tryptophan.
Molecular consequence: missense variant.
Genome position (GRCh38, 1-based): chr5:174,724,918, C>T. VCF-style: chr5-174724918-C-T. GRCh37 (hg19) VCF-style: chr5-174151921-C-T.
Other names: c.259C>T, p.Arg87Trp (NM_001363626.2); short protein forms R87W.
Identifiers: ClinVar variation 3913943 (VCV003913943.2).